The following is an entry in ClinVar:

NM_019892.6(INPP5E):c.1549+9C>A

Gene: INPP5E (inositol polyphosphate-5-phosphatase E; minus strand). Cytogenetic location: 9q34.3.
Variant type: single nucleotide variant.
Coding change: c.1549+9C>A on transcript NM_019892.6 (MANE Select); 9 bases into the intron after coding-DNA position 1549, C replaced by A.
Molecular consequence: intron variant.
Genome position (GRCh38, 1-based): chr9:136,431,815, G>T on the plus strand (C>A on the coding strand, the complement: INPP5E is on the minus strand). VCF-style: chr9-136431815-G-T. GRCh37 (hg19) VCF-style: chr9-139326267-G-T.
Other names: c.1546+9C>A (NM_001318502.2).
Identifiers: ClinVar variation 3345220 (VCV003345220.1).

ClinVar aggregate classification (germline): Likely benign (0 of 4 stars; one submission).

Conditions:
INPP5E-related disorder. Also called: INPP5E-related condition.

Submission:

PreventionGenetics, part of Exact Sciences
Classification: Likely benign for INPP5E-related condition. Last evaluated: 2024-06-22. Review status: no assertion criteria provided. Collection method: clinical testing. Allele origin: germline.
Comment: This variant is classified as likely benign based on ACMG/AMP sequence variant interpretation guidelines (Richards et al. 2015 PMID: 25741868, with internal and published modifications).